The following is an entry in ClinVar:

NM_000518.5(HBB):c.-273T>C

Genes: HBB (hemoglobin subunit beta; minus strand), LOC107133510 (origin of replication at HBB; plus strand), LOC106099062 (HBB recombination region; plus strand). Cytogenetic location: 11p15.4.
Variant type: single nucleotide variant.
Coding change: c.-273T>C on transcript NM_000518.5 (MANE Select); 273 bases upstream of the start codon, T replaced by C.
Genome position (GRCh38, 1-based): chr11:5,227,294, A>G on the plus strand (T>C on the coding strand, the complement: HBB is on the minus strand). VCF-style: chr11-5227294-A-G. GRCh37 (hg19) VCF-style: chr11-5248524-A-G.
Identifiers: ClinVar variation 695336 (VCV000695336.47), dbSNP rs139703273, ClinGen allele CA217117158.
Genomic context (GRCh38, chr11:5,227,294, plus strand): 5'-TTGGACTTCAAACCCTCAGCCCTCCCTCTAAGATATATCTCTTGGCCCCATACCATCAGT[A>G]CAAATTGCTACTAAAAACATCCTCCTTTGCAAGTGTATTTACGTAATATTTGGAATCACA-3'

ClinVar aggregate classification (germline): Benign/Likely benign. Review status: criteria provided, multiple submitters, no conflicts (2 of 4 stars). 5 submissions from 5 submitters: Benign (2); Likely benign (3). Last evaluated 2026-08-01.

Conditions:
Heinz body anemia. Also called: Heinz body hemolytic anemia. Identifiers: Orphanet 178330, MedGen C0700299, MONDO:0007705, OMIM 140700, HP:0005511.
alpha Thalassemia. Also called: Alpha thalassemia spectrum. Identifiers: Orphanet 846, MedGen C0002312, MONDO:0011399, OMIM 604131.
METHEMOGLOBINEMIA, BETA TYPE. Also called: Methemoglobinemia, beta-globin type. Identifiers: MedGen C1840779, OMIM 617971.
Dominant beta-thalassemia. Also called: Beta-thalassemia, dominant inclusion body type. Identifiers: Orphanet 231226, Orphanet 848, MedGen C1858990, MONDO:0011381, OMIM 603902.
Beta-thalassemia HBB/LCRB. Identifiers: MedGen CN322236, MONDO:0013517, OMIM 613985.
Hb SS disease (SCD). Also called: Hemoglobin SS; Sickle cell anemia; Sickle cell disease; HbS disease; Hemoglobin S Disease; Sickling disorder due to hemoglobin S. Identifiers: Orphanet 232, Orphanet 275752, MedGen C0002895, MONDO:0011382, OMIM 603903.
Malaria, susceptibility to. Identifiers: Orphanet 673, MedGen C1970028, MONDO:0021024, OMIM 611162.
Erythrocytosis, familial, 6. Also called: ERYTHROCYTOSIS, BETA-GLOBIN TYPE; POLYCYTHEMIA, BETA-GLOBIN TYPE. Identifiers: MedGen C4693822, MONDO:0054801, OMIM 617980.
Hereditary persistence of fetal hemoglobin. Identifiers: MedGen C0019025, MONDO:0020989, OMIM 141749.

Allele frequency attached by ClinVar (database versions not stated): gnomAD 0.00604 and 0.00710; TOPMed 0.00704; 1000 Genomes Project 30x 0.00843; 1000 Genomes Project 0.00919; gnomAD exomes 0.01143.

Submissions (5):

CeGaT Center for Human Genetics Tuebingen
Classification: Benign. Last evaluated: 2026-08-01. Review status: criteria provided, single submitter. Criteria: CeGaT Center For Human Genetics Tuebingen Variant Classification Criteria Version 2. Collection method: clinical testing. Allele origin: germline. Affected: yes. Observed: 25 variant alleles.
Comment: HBB: BS1, BS2

Labcorp Genetics (formerly Invitae), Labcorp
Classification: Benign. Last evaluated: 2026-02-04. Review status: criteria provided, single submitter. Criteria: Invitae Variant Classification Sherloc (09022015). Collection method: clinical testing. Allele origin: germline.

ARUP Laboratories, Molecular Genetics and Genomics, ARUP Laboratories
Classification: Likely benign. Last evaluated: 2025-07-28. Review status: criteria provided, single submitter. Criteria: ARUP Molecular Germline Variant Investigation Process 2024. Collection method: clinical testing. Allele origin: germline.

Blueprint Genetics
Classification: Likely benign. Last evaluated: 2024-11-25. Review status: criteria provided, single submitter. Criteria: ACMG Guidelines, 2015. Collection method: clinical testing. Allele origin: germline.

Fulgent Genetics
Classification: Likely benign for Heinz body anemia; Hereditary persistence of fetal hemoglobin; Dominant beta-thalassemia; Hb SS disease; alpha Thalassemia; Malaria, susceptibility to; Beta-thalassemia HBB/LCRB; METHEMOGLOBINEMIA, BETA TYPE; Erythrocytosis, familial, 6. Last evaluated: 2022-04-05. Review status: criteria provided, single submitter. Criteria: ACMG Guidelines, 2015. Collection method: clinical testing. Allele origin: unknown.